The following is an entry in ClinVar:

ClinVar aggregate classification (germline): Uncertain significance (1 of 4 stars; one submission).

Submission:

Labcorp Genetics (formerly Invitae), Labcorp
Classification: Uncertain significance. Last evaluated: 2023-04-24. Review status: criteria provided, single submitter. Criteria: Invitae Variant Classification Sherloc (09022015). Collection method: clinical testing. Allele origin: germline.
Comment: In summary, the available evidence is currently insufficient to determine the role of this variant in disease. Therefore, it has been classified as a Variant of Uncertain Significance. An algorithm developed to predict the effect of missense changes on protein structure and function (PolyPhen-2) suggests that this variant is likely to be tolerated. ClinVar contains an entry for this variant (Variation ID: 1371517). This variant has not been reported in the literature in individuals affected with ALPK3-related conditions. This variant is not present in population databases (gnomAD no frequency). This sequence change replaces leucine, which is neutral and non-polar, with valine, which is neutral and non-polar, at codon 31 of the ALPK3 protein (p.Leu31Val).

NC_000015.10:g.84816937C>G

Gene: ALPK3 (alpha kinase 3; plus strand). Cytogenetic location: 15q25.3.
Variant type: single nucleotide variant.
Genome position: GRCh38 VCF-style: chr15-84816937-C-G. GRCh37 (hg19) VCF-style: chr15-85360168-C-G.
Identifiers: ClinVar variation 1371517 (VCV001371517.6), dbSNP rs1963362942, ClinGen allele CA393368080.